The following is an entry in ClinVar:

ClinVar aggregate classification (germline): Uncertain significance (1 of 4 stars; one submission).

Conditions:
Kabuki syndrome. Also called: NIIKAWA-KUROKI SYNDROME; Kabuki make-up syndrome. Identifiers: Orphanet 2322, MedGen C0796004, MONDO:0016512.

Submission:

Labcorp Genetics (formerly Invitae), Labcorp
Classification: Uncertain significance for Kabuki syndrome. Last evaluated: 2022-07-19. Review status: criteria provided, single submitter. Criteria: Invitae Variant Classification Sherloc (09022015). Collection method: clinical testing. Allele origin: germline.
Comment: In summary, the available evidence is currently insufficient to determine the role of this variant in disease. Therefore, it has been classified as a Variant of Uncertain Significance. Advanced modeling of protein sequence and biophysical properties (such as structural, functional, and spatial information, amino acid conservation, physicochemical variation, residue mobility, and thermodynamic stability) performed at Invitae indicates that this missense variant is not expected to disrupt KMT2D protein function. ClinVar contains an entry for this variant (Variation ID: 1438103). This variant has not been reported in the literature in individuals affected with KMT2D-related conditions. This variant is not present in population databases (gnomAD no frequency). This sequence change replaces methionine, which is neutral and non-polar, with threonine, which is neutral and polar, at codon 1017 of the KMT2D protein (p.Met1017Thr).

NM_003482.4(KMT2D):c.3050T>C (p.Met1017Thr)

Gene: KMT2D (lysine methyltransferase 2D; minus strand). Cytogenetic location: 12q13.12.
Variant type: single nucleotide variant.
Coding change: c.3050T>C on transcript NM_003482.4 (MANE Select); coding-DNA position 3050, T replaced by C.
Protein change: p.Met1017Thr; replaces methionine 1017 with threonine.
Molecular consequence: missense variant.
Genome position (GRCh38, 1-based): chr12:49,050,538, A>G on the plus strand (T>C on the coding strand, the complement: KMT2D is on the minus strand). VCF-style: chr12-49050538-A-G. GRCh37 (hg19) VCF-style: chr12-49444321-A-G.
Other names: short protein forms M1017T.
Identifiers: ClinVar variation 1438103 (VCV001438103.8), dbSNP rs758883357, ClinGen allele CA236618222.